The following is an entry in ClinVar:

ClinVar aggregate classification (germline): Uncertain significance. Review status: criteria provided, multiple submitters, no conflicts (2 of 4 stars). 2 submissions from 2 submitters: Uncertain significance (2). Last evaluated 2021-09-30.

Conditions:
Hereditary cancer-predisposing syndrome. Also called: Hereditary neoplastic syndrome; Tumor predisposition; Neoplastic Syndromes, Hereditary; Hereditary Cancer Syndrome. Identifiers: Orphanet 140162, MedGen C0027672, MeSH D009386, MONDO:0015356.

Submissions (2):

Ambry Genetics
Classification: Uncertain significance for Hereditary cancer-predisposing syndrome. Last evaluated: 2021-09-30. Review status: criteria provided, single submitter. Criteria: Ambry Variant Classification Scheme 2023. Collection method: clinical testing. Allele origin: germline.
Comment: The c.1204_1236dup33 variant (also known as p.E402_N412dup), located in coding exon 5 of the AXIN2 gene, results from an in-frame duplication of 33 nucleotides at nucleotide positions 1204 to 1236. This results in the duplication of 11 extra residues (EEREGSELTLN) between codons 402 and 412. This amino acid region is not well conserved in available vertebrate species. Since supporting evidence is limited at this time, the clinical significance of this alteration remains unclear.

Sema4
Classification: Uncertain significance for Hereditary cancer-predisposing syndrome. Last evaluated: 2021-05-07. Review status: criteria provided, single submitter. Criteria: Sema4 Curation Guidelines. Collection method: curation. Allele origin: germline.
Comment: The AXIN2 c.1204_1236dup (p.E402_N412dup) variant has not been reported in the literature to our knowledge. It was not observed in the large and broad cohorts of the Genome Aggregation Database (PMID: 32461654). This variant has not been reported in Clinvar. This variant results in a duplication of 11 amino acids, without altering the integrity of reading frame. Assessment of this duplication by in silico tools and functional studies is currently not available. The overall evidence is insufficient to meet ACMG/AMP criteria for classifying it as benign or pathogenic. Thus, the clinical significance of this variant is currently uncertain.

NM_004655.4(AXIN2):c.1204_1236dup (p.Asn412_Ser413insGluGluArgGluGlySerGluLeuThrLeuAsn)

Gene: AXIN2 (axin 2; minus strand). Cytogenetic location: 17q24.1.
Variant type: Duplication.
Coding change: c.1204_1236dup on transcript NM_004655.4 (MANE Select); coding-DNA positions 1204 to 1236, 33 bases duplicated.
Protein change: p.Asn412_Ser413insGluGluArgGluGlySerGluLeuThrLeuAsn.
Molecular consequence: inframe insertion.
Genome position (GRCh38, 1-based): chr17:65,537,800-65,537,832, 33 bases duplicated; duplicating any 33 consecutive bases within chr17:65,537,800-65,537,834 gives the same sequence; the c. name uses the placement nearest the transcript's 3' end. GRCh37 (hg19): chr17:63,533,920-63,533,952.
Other names: c.1204_1236dup, p.Asn412_Ser413insGluGluArgGluGlySerGluLeuThrLeuAsn (NM_001363813.1); c.1204_1236dupGAAGAGAGAGAGGGCTCCGAGCTCACACTCAAT (NM_004655.3).
Identifiers: ClinVar variation 1692846 (VCV001692846.3), dbSNP rs2144467985, ClinGen allele CA2573154699.
Genomic context (GRCh38, chr17:65,537,799, plus strand): 5'-CCTCGTAGCTGCCGGAGGGCAGTAGGGAGAGGGGGTGCTGCGTGGGCGCCCCCTCCCGCG[A>AATTGAGTGTGAGCTCGGAGCCCTCTCTCTCTTC]ATTGAGTGTGAGCTCGGAGCCCTCTCTCTCTTCATCCTGAAAGGGAAGACGTCAGAAGGA-3'